The following is an entry in ClinVar:

ClinVar aggregate classification (germline): Uncertain significance (0 of 4 stars; one submission).

Conditions:
CDH2-related disorder. Also called: CDH2-related condition.

Submission:

PreventionGenetics, part of Exact Sciences
Classification: Uncertain significance for CDH2-related condition. Last evaluated: 2024-03-05. Review status: no assertion criteria provided. Collection method: clinical testing. Allele origin: germline.
Comment: The CDH2 c.1925_1928delCTTT variant is predicted to result in a frameshift and premature protein termination (p.Pro642Hisfs*4). To our knowledge, this variant has not been reported in the literature or in a large population database, indicating this variant is rare. To date, the majority of reported variants in CDH2 have been missense; however, a small number of de novo loss-of-function variants have been reported (Accogli et al. 2019. PubMed ID: 31585109). Although we suspect that this variant may be pathogenic, at this time, the clinical significance of this variant is uncertain due to the absence of conclusive functional and genetic evidence.

NM_001792.5(CDH2):c.1925_1928del (p.Pro642fs)

Gene: CDH2 (cadherin 2; minus strand). Cytogenetic location: 18q12.1.
Variant type: Deletion.
Coding change: c.1925_1928del on transcript NM_001792.5 (MANE Select); coding-DNA positions 1925 to 1928, 4 bases deleted (CTTT; older notation c.1925_1928delCTTT).
Protein change: p.Pro642fs; shifts the reading frame from proline 642.
Molecular consequence: frameshift variant.
Genome position (GRCh38, 1-based): chr18:27,985,575-27,985,578, AAAG deleted on the plus strand (CTTT on the coding strand, the reverse complement: CDH2 is on the minus strand). VCF-style (leftmost placement, unchanged base first): chr18-27985574-TAAAG-T. GRCh37 (hg19) VCF-style: chr18-25565538-TAAAG-T.
Other names: c.1832_1835del, p.Pro611fs (NM_001308176.2); short protein forms P611fs, P642fs.
Identifiers: ClinVar variation 3349134 (VCV003349134.1).